The following is an entry in ClinVar:

NM_000130.5(F5):c.142G>C (p.Glu48Gln)

Gene: F5 (coagulation factor V; minus strand). Cytogenetic location: 1q24.2.
Variant type: single nucleotide variant.
Coding change: c.142G>C on transcript NM_000130.5 (MANE Select); coding-DNA position 142, G replaced by C.
Protein change: p.Glu48Gln; replaces glutamic acid 48 with glutamine.
Molecular consequence: missense variant.
Genome position (GRCh38, 1-based): chr1:169,586,245, C>G on the plus strand (G>C on the coding strand, the complement: F5 is on the minus strand). VCF-style: chr1-169586245-C-G. GRCh37 (hg19) VCF-style: chr1-169555483-C-G.
Other names: short protein forms E48Q.
Identifiers: ClinVar variation 4252361 (VCV004252361.2).

ClinVar aggregate classification (germline): Uncertain significance. Review status: criteria provided, multiple submitters, no conflicts (2 of 4 stars). 2 submissions from 2 submitters: Uncertain significance (2). Last evaluated 2025-08-06.

Conditions:
Inborn genetic diseases. Identifiers: MedGen C0950123, MeSH D030342.
Congenital factor V deficiency. Also called: LABILE FACTOR DEFICIENCY; OWREN PARAHEMOPHILIA; PARAHEMOPHILIA; Hereditary factor V deficiency disease. Identifiers: Orphanet 326, MedGen C0015499, MONDO:0009210, OMIM 227400.

Submissions (2):

Ambry Genetics
Classification: Uncertain significance for Inborn genetic diseases. Last evaluated: 2025-08-06. Review status: criteria provided, single submitter. Criteria: Ambry Variant Classification Scheme 2023. Collection method: clinical testing. Allele origin: germline.

Labcorp Genetics (formerly Invitae), Labcorp
Classification: Uncertain significance for Congenital factor V deficiency. Last evaluated: 2025-03-24. Review status: criteria provided, single submitter. Criteria: Invitae Variant Classification Sherloc (09022015). Collection method: clinical testing. Allele origin: germline.
Comment: This sequence change replaces glutamic acid, which is acidic and polar, with glutamine, which is neutral and polar, at codon 48 of the F5 protein (p.Glu48Gln). This variant is present in population databases (no rsID available, gnomAD 0.003%). This variant has not been reported in the literature in individuals affected with F5-related conditions. Invitae Evidence Modeling of protein sequence and biophysical properties (such as structural, functional, and spatial information, amino acid conservation, physicochemical variation, residue mobility, and thermodynamic stability) indicates that this missense variant is not expected to disrupt F5 protein function with a negative predictive value of 95%. In summary, the available evidence is currently insufficient to determine the role of this variant in disease. Therefore, it has been classified as a Variant of Uncertain Significance.